The following is an entry in ClinVar:

ClinVar aggregate classification (germline): Uncertain significance (1 of 4 stars; one submission).

Allele frequency attached by ClinVar (database versions not stated): TOPMed below 0.00001.
gnomAD v4.1: 2 of 1,614,092 alleles (0.00012%); highest among the groups gnomAD compares: East Asian, 0.0045%; no homozygotes.

Submission:

Ambry Genetics
Classification: Uncertain significance. Last evaluated: 2023-11-09. Review status: criteria provided, single submitter. Criteria: Ambry Variant Classification Scheme 2023. Collection method: clinical testing. Allele origin: germline.
Comment: The p.F956I variant (also known as c.2866T>A), located in coding exon 4 of the ALPK2 gene, results from a T to A substitution at nucleotide position 2866. The phenylalanine at codon 956 is replaced by isoleucine, an amino acid with highly similar properties. This amino acid position is conserved. In addition, this alteration is predicted to be tolerated by in silico analysis. Since supporting evidence is limited at this time, the clinical significance of this alteration remains unclear.

NM_052947.4(ALPK2):c.2866T>A (p.Phe956Ile)

Gene: ALPK2 (alpha kinase 2; minus strand). Cytogenetic location: 18q21.31.
Variant type: single nucleotide variant.
Coding change: c.2866T>A on transcript NM_052947.4 (MANE Select); coding-DNA position 2866, T replaced by A.
Protein change: p.Phe956Ile; replaces phenylalanine 956 with isoleucine.
Molecular consequence: missense variant.
Genome position (GRCh38, 1-based): chr18:58,537,321, A>T on the plus strand (T>A on the coding strand, the complement: ALPK2 is on the minus strand). VCF-style: chr18-58537321-A-T. GRCh37 (hg19) VCF-style: chr18-56204553-A-T.
Other names: short protein forms F956I.
Identifiers: ClinVar variation 3228656 (VCV003228656.1), dbSNP rs762832281, ClinGen allele CA402569605.
Genomic context (GRCh38, chr18:58,537,321, plus strand): 5'-CTGGTGTGGCTGTGGTGTCTGCGGCACTAGGACTGGGGCTCTTGTCACCTCCTTCTTTAA[A>T]TTGCACTAAAGGATTGTTCTCAGAAGAAAGGAGCTGTGTTTCATCAAGCCCTCCTGAGTT-3'
Protein context (NP_443179.3, residues 946-966): LSSENNPLVQ[Phe956Ile]KEGGDKSPSP